The following is an entry in ClinVar:

ClinVar aggregate classification (germline): Uncertain significance (1 of 4 stars; one submission).

Conditions:
Congenital myotonia, autosomal dominant form (THD). Also called: THOMSEN DISEASE; Myotonia congenita autosomal dominant. Identifiers: Orphanet 614, MedGen C2936781, MONDO:0008055, OMIM 160800.
Congenital myotonia, autosomal recessive form. Also called: BECKER DISEASE; Becker Generalized Myotonia; myotonia congenita, autosomal recessive. Identifiers: Orphanet 614, MedGen C0751360, MONDO:0009715, OMIM 255700.

Submission:

Labcorp Genetics (formerly Invitae), Labcorp
Classification: Uncertain significance for Congenital myotonia, autosomal recessive form; Congenital myotonia, autosomal dominant form. Last evaluated: 2019-11-01. Review status: criteria provided, single submitter. Criteria: Invitae Variant Classification Sherloc (09022015). Collection method: clinical testing. Allele origin: germline.
Comment: In summary, the available evidence is currently insufficient to determine the role of this variant in disease. Therefore, it has been classified as a Variant of Uncertain Significance. Algorithms developed to predict the effect of missense changes on protein structure and function are either unavailable or do not agree on the potential impact of this missense change (SIFT: "Deleterious"; PolyPhen-2: "Probably Damaging"; Align-GVGD: "Class C0"). This variant has not been reported in the literature in individuals with CLCN1-related conditions. This variant is not present in population databases (ExAC no frequency). This sequence change replaces isoleucine with leucine at codon 581 of the CLCN1 protein (p.Ile581Leu). The isoleucine residue is highly conserved and there is a small physicochemical difference between isoleucine and leucine.

NM_000083.3(CLCN1):c.1741A>C (p.Ile581Leu)

Gene: CLCN1 (chloride voltage-gated channel 1; plus strand). Cytogenetic location: 7q34.
Variant type: single nucleotide variant.
Coding change: c.1741A>C on transcript NM_000083.3 (MANE Select); coding-DNA position 1741, A replaced by C.
Protein change: p.Ile581Leu; replaces isoleucine 581 with leucine.
Molecular consequence: missense variant. On other transcripts: non-coding transcript variant (1).
Genome position (GRCh38, 1-based): chr7:143,342,087, A>C. VCF-style: chr7-143342087-A-C. GRCh37 (hg19) VCF-style: chr7-143039180-A-C.
Other names: short protein forms I581L.
Identifiers: ClinVar variation 968590 (VCV000968590.9), dbSNP rs1803094547, ClinGen allele CA369646678.
Genomic context (GRCh38, chr7:143,342,087, plus strand): 5'-GTGGCTGTTATCTTGGCCAACATGGTGGCCCAGAGCCTGCAGCCCTCTCTCTATGACAGC[A>C]TCATCCAGGTCAAGAAGCTACCCTACTTGCCTGACCTTGGCTGGAACCAGCTCAGGTCAG-3'
Protein context (NP_000074.3, residues 571-591): QSLQPSLYDS[Ile581Leu]IQVKKLPYLP